The following is an entry in ClinVar:

NM_000138.5(FBN1):c.7898G>A (p.Cys2633Tyr)

Gene: FBN1 (fibrillin 1; minus strand). Cytogenetic location: 15q21.1.
Variant type: single nucleotide variant.
Coding change: c.7898G>A on transcript NM_000138.5 (MANE Select); coding-DNA position 7898, G replaced by A.
Protein change: p.Cys2633Tyr; replaces cysteine 2633 with tyrosine.
Molecular consequence: missense variant.
Genome position (GRCh38, 1-based): chr15:48,415,689, C>T on the plus strand (G>A on the coding strand, the complement: FBN1 is on the minus strand). VCF-style: chr15-48415689-C-T. GRCh37 (hg19) VCF-style: chr15-48707886-C-T.
Other names: c.7898G>A, p.Cys2633Tyr (NM_001406716.1); short protein forms C2633Y.
Identifiers: ClinVar variation 4820498 (VCV004820498.1).

ClinVar aggregate classification (germline): Pathogenic (1 of 4 stars; one submission).

Conditions:
Cardiovascular phenotype. Identifiers: MedGen CN230736.

Submission:

Molecular Diagnostic Laboratory for Inherited Cardiovascular Disease, Montreal Heart Institute
Classification: Pathogenic for Cardiovascular phenotype. Last evaluated: 2026-01-29. Review status: criteria provided, single submitter. Criteria: ACMG Guidelines, 2015. Collection method: clinical testing. Allele origin: germline. Affected: yes.
Comment: PM1_strong, PM2, PM5, PP2, PP3